The following is an entry in ClinVar:

NM_058216.3(RAD51C):c.317C>G (p.Ala106Gly)

Gene: RAD51C (RAD51 paralog C; plus strand). Cytogenetic location: 17q22.
Variant type: single nucleotide variant.
Coding change: c.317C>G on transcript NM_058216.3 (MANE Select); coding-DNA position 317, C replaced by G.
Protein change: p.Ala106Gly; replaces alanine 106 with glycine.
Molecular consequence: missense variant. On other transcripts: non-coding transcript variant (2).
Genome position (GRCh38, 1-based): chr17:58,695,102, C>G. VCF-style: chr17-58695102-C-G. GRCh37 (hg19) VCF-style: chr17-56772463-C-G.
Other names: c.317C>G, p.Ala106Gly (NM_002876.4, NM_058217.1); short protein forms A106G.
Identifiers: ClinVar variation 2125859 (VCV002125859.4), dbSNP rs1060502594, ClinGen allele CA400341171.

ClinVar aggregate classification (germline): Uncertain significance (1 of 4 stars; one submission).

Conditions:
Fanconi anemia complementation group O. Also called: RAD51C-Related Fanconi Anemia. Identifiers: Orphanet 84, MedGen C3150653, MONDO:0013248, OMIM 613390.

Submission:

Labcorp Genetics (formerly Invitae), Labcorp
Classification: Uncertain significance for Fanconi anemia complementation group O. Last evaluated: 2022-04-13. Review status: criteria provided, single submitter. Criteria: Invitae Variant Classification Sherloc (09022015). Collection method: clinical testing. Allele origin: germline.
Comment: In summary, the available evidence is currently insufficient to determine the role of this variant in disease. Therefore, it has been classified as a Variant of Uncertain Significance. Algorithms developed to predict the effect of missense changes on protein structure and function (SIFT, PolyPhen-2, Align-GVGD) all suggest that this variant is likely to be tolerated. This variant has not been reported in the literature in individuals affected with RAD51C-related conditions. This variant is not present in population databases (gnomAD no frequency). This sequence change replaces alanine, which is neutral and non-polar, with glycine, which is neutral and non-polar, at codon 106 of the RAD51C protein (p.Ala106Gly).